The following is an entry in ClinVar:

NM_003722.5(TP63):c.89C>G (p.Ser30Cys)

Gene: TP63 (tumor protein p63; plus strand). Cytogenetic location: 3q28.
Variant type: single nucleotide variant.
Coding change: c.89C>G on transcript NM_003722.5 (MANE Select); coding-DNA position 89, C replaced by G.
Protein change: p.Ser30Cys; replaces serine 30 with cysteine.
Molecular consequence: missense variant.
Genome position (GRCh38, 1-based): chr3:189,737,766, C>G. VCF-style: chr3-189737766-C-G. GRCh37 (hg19) VCF-style: chr3-189455555-C-G.
Other names: c.89C>G, p.Ser30Cys (NM_001114978.2, NM_001114979.2, NM_001329144.2 and 1 more transcripts); c.83C>G, p.Ser28Cys (NM_001329964.2); short protein forms S28C, S30C.
Identifiers: ClinVar variation 3651502 (VCV003651502.1).
Genomic context (GRCh38, chr3:189,737,766, plus strand): 5'-AGTATAATACTAGTTTCATTTTTGTCCTTTTAAGTTTCGTAGAAACCCCAGCTCATTTCT[C>G]TTGGAAAGAAAGTTATTACCGATCCACCATGTCCCAGAGCACACAGACAAATGAATTCCT-3'
Protein context (NP_003713.3, residues 20-40): QRFVETPAHF[Ser30Cys]WKESYYRSTM

ClinVar aggregate classification (germline): Uncertain significance (1 of 4 stars; one submission).

Conditions:
TP63-Related Spectrum Disorders.

Submission:

Labcorp Genetics (formerly Invitae), Labcorp
Classification: Uncertain significance. Last evaluated: 2024-06-27. Review status: criteria provided, single submitter. Criteria: Invitae Variant Classification Sherloc (09022015). Collection method: clinical testing. Allele origin: germline.
Comment: This sequence change replaces serine, which is neutral and polar, with cysteine, which is neutral and slightly polar, at codon 30 of the TP63 protein (p.Ser30Cys). This variant is not present in population databases (gnomAD no frequency). This variant has not been reported in the literature in individuals affected with TP63-related conditions. Advanced modeling of protein sequence and biophysical properties (such as structural, functional, and spatial information, amino acid conservation, physicochemical variation, residue mobility, and thermodynamic stability) has been performed at Invitae for this missense variant, however the output from this modeling did not meet the statistical confidence thresholds required to predict the impact of this variant on TP63 protein function. In summary, the available evidence is currently insufficient to determine the role of this variant in disease. Therefore, it has been classified as a Variant of Uncertain Significance.